The following is an entry in ClinVar:

NM_014231.5(VAMP1):c.118C>T (p.Gln40Ter)

Genes: TAPBPL (TAP binding protein like; plus strand), VAMP1 (vesicle associated membrane protein 1; minus strand). Cytogenetic location: 12p13.31.
Variant type: single nucleotide variant.
Coding change: c.118C>T on transcript NM_014231.5 (MANE Select); coding-DNA position 118, C replaced by T.
Protein change: p.Gln40Ter; replaces glutamine 40 with a stop codon.
Molecular consequence: nonsense.
Genome position (GRCh38, 1-based): chr12:6,466,236, G>A on the plus strand (C>T on the coding strand, the complement: VAMP1 is on the minus strand). VCF-style: chr12-6466236-G-A. GRCh37 (hg19) VCF-style: chr12-6575402-G-A.
Other names: c.118C>T, p.Gln40Ter (NM_001297438.2, NM_016830.4, NM_199245.3); short protein forms Q40*.
Identifiers: ClinVar variation 4796977 (VCV004796977.1).

ClinVar aggregate classification (germline): Pathogenic (1 of 4 stars; one submission).

Conditions:
Spastic paraplegia. Identifiers: MedGen C0037772, HP:0001258.

Submission:

Labcorp Genetics (formerly Invitae), Labcorp
Classification: Pathogenic for Spastic paraplegia. Last evaluated: 2025-12-01. Review status: criteria provided, single submitter. Criteria: Invitae Variant Classification Sherloc (09022015). Collection method: clinical testing. Allele origin: germline.
Comment: This sequence change creates a premature translational stop signal (p.Gln40*) in the VAMP1 gene. It is expected to result in an absent or disrupted protein product. Loss-of-function variants in VAMP1 are known to be pathogenic (PMID: 28253535). This variant is not present in population databases (gnomAD no frequency). This variant has not been reported in the literature in individuals affected with VAMP1-related conditions. For these reasons, this variant has been classified as Pathogenic.

Literature cited by the submitters: PubMed 28253535.